The following is an entry in ClinVar:

NM_012278.4(ITGB1BP2):c.578A>C (p.Asp193Ala)

Genes: ITGB1BP2 (integrin subunit beta 1 binding protein 2; plus strand), LOC126863276 (BRD4-independent group 4 enhancer GRCh37_chrX:70523398-70524597; plus strand). Cytogenetic location: Xq13.1.
Variant type: single nucleotide variant.
Coding change: c.578A>C on transcript NM_012278.4 (MANE Select); coding-DNA position 578, A replaced by C.
Protein change: p.Asp193Ala; replaces aspartic acid 193 with alanine.
Molecular consequence: missense variant.
Genome position (GRCh38, 1-based): chrX:71,303,850, A>C. VCF-style: chrX-71303850-A-C. GRCh37 (hg19) VCF-style: chrX-70523700-A-C.
Other names: c.209A>C, p.Asp70Ala (NM_001303277.3); short protein forms D70A, D193A.
Identifiers: ClinVar variation 5022836 (VCV005022836.1).

ClinVar aggregate classification (germline): Uncertain significance (1 of 4 stars; one submission).

gnomAD v4.1: 1 of 1,209,473 alleles (0.000083%); highest among the groups gnomAD compares: East Asian, 0.003%; no homozygotes.

Submission:

Ambry Genetics
Classification: Uncertain significance. Last evaluated: 2026-08-18. Review status: criteria provided, single submitter. Criteria: Ambry Variant Classification Scheme 2023. Collection method: clinical testing. Allele origin: germline.
Comment: The c.578A>C (p.D193A) alteration is located in exon 8 (coding exon 8) of the ITGB1BP2 gene. This alteration results from a A to C substitution at nucleotide position 578, causing the aspartic acid (D) at amino acid position 193 to be replaced by an alanine (A). Based on data from gnomAD, the C allele has an overall frequency of 0.001% (1/178783) total alleles studied. The highest observed frequency was 0.007% (1/13697) of East Asian alleles. Based on insufficient or conflicting evidence, the clinical significance of this alteration remains unclear.